The following is an entry in ClinVar:

ClinVar aggregate classification (germline): Uncertain significance. Review status: criteria provided, multiple submitters, no conflicts (2 of 4 stars). 3 submissions from 3 submitters: Uncertain significance (3). Last evaluated 2025-08-21.

Conditions:
Neurofibromatosis, type 1 (NF1). Also called: Neurofibromatosis, type I; Peripheral type neurofibromatosis; VON RECKLINGHAUSEN DISEASE; NEUROFIBROMATOSIS, TYPE I, SOMATIC. Identifiers: Orphanet 636, MedGen C0027831, MONDO:0018975, OMIM 162200. Disease mechanism: loss of function.
Juvenile myelomonocytic leukemia (JMML). Also called: LEUKEMIA, JUVENILE MYELOMONOCYTIC, SOMATIC. Identifiers: Orphanet 86834, MedGen C0349639, MONDO:0011908, OMIM 607785, HP:0012209.
Hereditary cancer-predisposing syndrome. Also called: Neoplastic Syndromes, Hereditary; Hereditary Cancer Syndrome; Hereditary neoplastic syndrome; Tumor predisposition. Identifiers: Orphanet 140162, MedGen C0027672, MeSH D009386, MONDO:0015356.
Cardiovascular phenotype. Identifiers: MedGen CN230736.

Submissions (3):

Labcorp Genetics (formerly Invitae), Labcorp
Classification: Uncertain significance for Neurofibromatosis, type 1. Last evaluated: 2025-08-21. Review status: criteria provided, single submitter. Criteria: Invitae Variant Classification Sherloc (09022015). Collection method: clinical testing. Allele origin: germline.
Comment: This sequence change replaces phenylalanine, which is neutral and non-polar, with leucine, which is neutral and non-polar, at codon 2295 of the NF1 protein (p.Phe2295Leu). This variant is not present in population databases (gnomAD no frequency). This variant has not been reported in the literature in individuals affected with NF1-related conditions. ClinVar contains an entry for this variant (Variation ID: 826680). Invitae Evidence Modeling of protein sequence and biophysical properties (such as structural, functional, and spatial information, amino acid conservation, physicochemical variation, residue mobility, and thermodynamic stability) indicates that this missense variant is expected to disrupt NF1 protein function with a positive predictive value of 95%. In summary, the available evidence is currently insufficient to determine the role of this variant in disease. Therefore, it has been classified as a Variant of Uncertain Significance.

Baylor Genetics
Classification: Uncertain significance for Juvenile myelomonocytic leukemia. Last evaluated: 2023-05-23. Review status: criteria provided, single submitter. Criteria: ACMG Guidelines, 2015. Collection method: clinical testing. Allele origin: unknown.

Ambry Genetics
Classification: Uncertain significance for Cardiovascular phenotype; Hereditary cancer-predisposing syndrome. Last evaluated: 2018-06-28. Review status: criteria provided, single submitter. Criteria: Ambry Variant Classification Scheme 2023. Collection method: clinical testing. Allele origin: germline.
Comment: The p.F2295L variant (also known as c.6885T>G), located in coding exon 46 of the NF1 gene, results from a T to G substitution at nucleotide position 6885. The phenylalanine at codon 2295 is replaced by leucine, an amino acid with highly similar properties. This amino acid position is highly conserved in available vertebrate species. In addition, the in silico prediction for this alteration is inconclusive. Since supporting evidence is limited at this time, the clinical significance of this alteration remains unclear.

NM_001042492.3(NF1):c.6948T>G (p.Phe2316Leu)

Gene: NF1 (neurofibromin 1; plus strand). Cytogenetic location: 17q11.2.
Variant type: single nucleotide variant.
Coding change: c.6948T>G on transcript NM_001042492.3 (MANE Select); coding-DNA position 6948, T replaced by G.
Protein change: p.Phe2316Leu; replaces phenylalanine 2316 with leucine.
Molecular consequence: missense variant.
Genome position (GRCh38, 1-based): chr17:31,340,531, T>G. VCF-style: chr17-31340531-T-G. GRCh37 (hg19) VCF-style: chr17-29667549-T-G.
Other names: c.6885T>G, p.Phe2295Leu (NM_000267.4); short protein forms F2295L, F2316L.
Identifiers: ClinVar variation 826680 (VCV000826680.10), dbSNP rs1597847958, ClinGen allele CA399014897.